The following is an entry in ClinVar:

ClinVar aggregate classification (germline): Uncertain significance (1 of 4 stars; one submission).

Conditions:
Inborn genetic diseases. Identifiers: MedGen C0950123, MeSH D030342.

Submission:

Ambry Genetics
Classification: Uncertain significance for Inborn genetic diseases. Last evaluated: 2025-04-02. Review status: criteria provided, single submitter. Criteria: Ambry Variant Classification Scheme 2023. Collection method: clinical testing. Allele origin: germline.
Comment: The c.872+5G>C intronic variant results from a G to C substitution 5 nucleotides after coding exon 3 in the WT1 gene. This nucleotide position is well conserved in available vertebrate species. In silico splice site analysis predicts that this alteration may weaken the native splice donor site. Based on the available evidence, the clinical significance of this variant remains unclear.

NM_024426.6(WT1):c.887+5G>C

Gene: WT1 (WT1 transcription factor; minus strand). Cytogenetic location: 11p13.
Variant type: single nucleotide variant.
Coding change: c.887+5G>C on transcript NM_024426.6 (MANE Select); 5 bases into the intron after coding-DNA position 887, G replaced by C.
Molecular consequence: intron variant.
Genome position (GRCh38, 1-based): chr11:32,427,951, C>G on the plus strand (G>C on the coding strand, the complement: WT1 is on the minus strand). VCF-style: chr11-32427951-C-G. GRCh37 (hg19) VCF-style: chr11-32449497-C-G.
Other names: c.764+5G>C (NM_001407050.1, NM_001407047.1); c.887+5G>C (NM_001407048.1, NM_001407049.1, NM_000378.6 and 4 more transcripts); c.668+5G>C (NM_001429034.1, NM_001429033.1, NM_001429032.1 and 1 more transcripts); c.125+5G>C (NM_001407051.1); c.236+5G>C (NM_001198552.2, NM_001198551.2).
Identifiers: ClinVar variation 3982427 (VCV003982427.1).